The following is an entry in ClinVar:

ClinVar aggregate classification (germline): Pathogenic (1 of 4 stars; one submission).

Conditions:
Hereditary spastic paraplegia 11. Also called: SPASTIC PARAPLEGIA, AUTOSOMAL RECESSIVE, COMPLICATED, WITH THIN CORPUS CALLOSUM; SPASTIC PARAPLEGIA, AUTOSOMAL RECESSIVE, WITH MENTAL IMPAIRMENT AND THIN CORPUS CALLOSUM; Spastic Paraplegia 11; Spastic paraplegia, mental retardation and thin corpus callosum; Nakamura Osame syndrome; Autosomal recessive hereditary spastic paraplegia, mental impairment, and thin corpus callosum. Identifiers: Orphanet 2822, MedGen C1858479, MONDO:0011445, OMIM 604360.

Submission:

Labcorp Genetics (formerly Invitae), Labcorp
Classification: Pathogenic for Hereditary spastic paraplegia 11. Last evaluated: 2022-12-24. Review status: criteria provided, single submitter. Criteria: Invitae Variant Classification Sherloc (09022015). Collection method: clinical testing. Allele origin: germline.
Comment: For these reasons, this variant has been classified as Pathogenic. This variant has not been reported in the literature in individuals affected with SPG11-related conditions. This variant is not present in population databases (gnomAD no frequency). This sequence change creates a premature translational stop signal (p.Leu493*) in the SPG11 gene. It is expected to result in an absent or disrupted protein product. Loss-of-function variants in SPG11 are known to be pathogenic (PMID: 19105190, 20110243, 22154821, 26556829).

Literature cited by the submitters: PubMed 19105190; PubMed 20110243; PubMed 22154821; PubMed 26556829.

NM_025137.4(SPG11):c.1478T>A (p.Leu493Ter)

Gene: SPG11 (SPG11 vesicle trafficking associated, spatacsin; minus strand). Cytogenetic location: 15q21.1.
Variant type: single nucleotide variant.
Coding change: c.1478T>A on transcript NM_025137.4 (MANE Select); coding-DNA position 1478, T replaced by A.
Protein change: p.Leu493Ter; replaces leucine 493 with a stop codon.
Molecular consequence: nonsense.
Genome position (GRCh38, 1-based): chr15:44,648,990, A>T on the plus strand (T>A on the coding strand, the complement: SPG11 is on the minus strand). VCF-style: chr15-44648990-A-T. GRCh37 (hg19) VCF-style: chr15-44941188-A-T.
Other names: c.1478T>A, p.Leu493Ter (NM_001160227.2, NM_001411132.1); short protein forms L493*.
Identifiers: ClinVar variation 2823803 (VCV002823803.3), dbSNP rs2505711019, ClinGen allele CA392235739.